The following is an entry in ClinVar:

NM_001170629.2(CHD8):c.3347G>T (p.Cys1116Phe)

Gene: CHD8 (chromodomain helicase DNA binding protein 8; minus strand). Cytogenetic location: 14q11.2.
Variant type: single nucleotide variant.
Coding change: c.3347G>T on transcript NM_001170629.2 (MANE Select); coding-DNA position 3347, G replaced by T.
Protein change: p.Cys1116Phe; replaces cysteine 1116 with phenylalanine.
Molecular consequence: missense variant.
Genome position (GRCh38, 1-based): chr14:21,403,624, C>A on the plus strand (G>T on the coding strand, the complement: CHD8 is on the minus strand). VCF-style: chr14-21403624-C-A. GRCh37 (hg19) VCF-style: chr14-21871783-C-A.
Other names: c.2510G>T, p.Cys837Phe (NM_020920.4); short protein forms C837F, C1116F.
Identifiers: ClinVar variation 3007351 (VCV003007351.3), dbSNP rs1204961490, ClinGen allele CA388901368.
Genomic context (GRCh38, chr14:21,403,624, plus strand): 5'-ACCAGTTTGCCGGCTGAACGAACCATGGCCTGCAGGTGAAAGTCATGAGGTATAATATGG[C>A]AAGCTTCACGGAATTCTGTTAGGATTTTTTCTTCAGCACCTGCCAAAAGAAAAATCAAAT-3'
Protein context (NP_001164100.1, residues 1106-1126): EKILTEFREA[Cys1116Phe]HIIPHDFHLQ

ClinVar aggregate classification (germline): Uncertain significance (1 of 4 stars; one submission).

Allele frequency attached by ClinVar (database versions not stated): gnomAD exomes below 0.00001.
gnomAD v4.1: 2 of 1,605,858 alleles (0.00012%); highest among the groups gnomAD compares: Non-Finnish European, 0.00017%; no homozygotes.

Submission:

Labcorp Genetics (formerly Invitae), Labcorp
Classification: Uncertain significance. Last evaluated: 2023-11-27. Review status: criteria provided, single submitter. Criteria: Invitae Variant Classification Sherloc (09022015). Collection method: clinical testing. Allele origin: germline.
Comment: This sequence change replaces cysteine, which is neutral and slightly polar, with phenylalanine, which is neutral and non-polar, at codon 1116 of the CHD8 protein (p.Cys1116Phe). The frequency data for this variant in the population databases is considered unreliable, as metrics indicate poor data quality at this position in the gnomAD database. This variant has not been reported in the literature in individuals affected with CHD8-related conditions. Advanced modeling of protein sequence and biophysical properties (such as structural, functional, and spatial information, amino acid conservation, physicochemical variation, residue mobility, and thermodynamic stability) performed at Invitae indicates that this missense variant is not expected to disrupt CHD8 protein function with a negative predictive value of 80%. In summary, the available evidence is currently insufficient to determine the role of this variant in disease. Therefore, it has been classified as a Variant of Uncertain Significance.